The following is an entry in ClinVar:

ClinVar aggregate classification (germline): Uncertain significance (1 of 4 stars; one submission).

Allele frequency attached by ClinVar (database versions not stated): gnomAD exomes below 0.00001.
gnomAD v4.1: 1 of 1,613,946 alleles (0.000062%); highest among the groups gnomAD compares: Non-Finnish European, 0.000085%; no homozygotes.

Submission:

Labcorp Genetics (formerly Invitae), Labcorp
Classification: Uncertain significance. Last evaluated: 2022-10-11. Review status: criteria provided, single submitter. Criteria: Invitae Variant Classification Sherloc (09022015). Collection method: clinical testing. Allele origin: germline.
Comment: In summary, the available evidence is currently insufficient to determine the role of this variant in disease. Therefore, it has been classified as a Variant of Uncertain Significance. Algorithms developed to predict the effect of missense changes on protein structure and function (SIFT, PolyPhen-2, Align-GVGD) all suggest that this variant is likely to be tolerated. This variant has not been reported in the literature in individuals affected with CTR9-related conditions. This variant is not present in population databases (gnomAD no frequency). This sequence change replaces lysine, which is basic and polar, with asparagine, which is neutral and polar, at codon 645 of the CTR9 protein (p.Lys645Asn).

NM_014633.5(CTR9):c.1935G>C (p.Lys645Asn)

Gene: CTR9 (CTR9 component of Paf1/RNA polymerase II complex; plus strand). Cytogenetic location: 11p15.4.
Variant type: single nucleotide variant.
Coding change: c.1935G>C on transcript NM_014633.5 (MANE Select); coding-DNA position 1935, G replaced by C.
Protein change: p.Lys645Asn; replaces lysine 645 with asparagine.
Molecular consequence: missense variant.
Genome position (GRCh38, 1-based): chr11:10,768,136, G>C. VCF-style: chr11-10768136-G-C. GRCh37 (hg19) VCF-style: chr11-10789683-G-C.
Other names: c.1935G>C, p.Lys645Asn (NM_001346279.2); short protein forms K645N.
Identifiers: ClinVar variation 2190752 (VCV002190752.4), dbSNP rs2539384674, ClinGen allele CA379673984.